The following is an entry in ClinVar:

ClinVar aggregate classification (germline): Pathogenic (1 of 4 stars; one submission).

Conditions:
Combined immunodeficiency due to DOCK8 deficiency (HIES2). Also called: HIES autosomal recessive; HYPER-IgE SYNDROME 2, AUTOSOMAL RECESSIVE, WITH RECURRENT INFECTIONS; DOCK8 Deficiency; Hyper-IgE recurrent infection syndrome, autosomal recessive; HYPER-IgE RECURRENT INFECTION SYNDROME 2, AUTOSOMAL RECESSIVE. Identifiers: Orphanet 217390, MedGen C4722305, MONDO:0009478, OMIM 243700.

Submission:

Labcorp Genetics (formerly Invitae), Labcorp
Classification: Pathogenic for Combined immunodeficiency due to DOCK8 deficiency. Last evaluated: 2025-09-08. Review status: criteria provided, single submitter. Criteria: Invitae Variant Classification Sherloc (09022015). Collection method: clinical testing. Allele origin: germline.
Comment: This sequence change creates a premature translational stop signal (p.Phe1268Serfs*3) in the DOCK8 gene. It is expected to result in an absent or disrupted protein product. Loss-of-function variants in DOCK8 are known to be pathogenic (PMID: 14722525, 19776401). This variant is not present in population databases (gnomAD no frequency). This premature translational stop signal has been observed in individual(s) with clinical features of DOCK8-related conditions (PMID: 34093558). ClinVar contains an entry for this variant (Variation ID: 839960). For these reasons, this variant has been classified as Pathogenic.

Literature cited by the submitters: PubMed 14722525; PubMed 19776401; PubMed 34093558.

NM_203447.4(DOCK8):c.3803del (p.Phe1268fs)

Gene: DOCK8 (dedicator of cytokinesis 8; plus strand). Cytogenetic location: 9p24.3.
Variant type: Deletion.
Coding change: c.3803del on transcript NM_203447.4 (MANE Select); coding-DNA position 3803, one base deleted (T; older notation c.3803delT).
Protein change: p.Phe1268fs; shifts the reading frame from phenylalanine 1268.
Molecular consequence: frameshift variant.
Genome position (GRCh38, 1-based): chr9:418,170, T deleted; the last of 3 consecutive T bases (chr9:418,168-418,170); deleting any one gives the same sequence. VCF-style (leftmost placement, unchanged base first): chr9-418167-AT-A. GRCh37 (hg19) VCF-style: chr9-418167-AT-A.
Other names: c.3503del, p.Phe1168fs (NM_001190458.2); c.3599del, p.Phe1200fs (NM_001193536.2); short protein forms F1200fs, F1168fs, F1268fs.
Identifiers: ClinVar variation 839960 (VCV000839960.8), dbSNP rs2056112807, ClinGen allele CA916080405.
Genomic context (GRCh38, chr9:418,167, plus strand): 5'-AAGAACAAGAAGGAGCCGGTGCCATTAACCAGAATGTGGCTCTGGCCATAGCAGGGAATA[AT>A]TTCAATTTGAAAACAAGTGGAATAGTGCTGTCTTCCTTGGTATGTTGGTGCACATGTGTC-3'